The following is an entry in ClinVar:

ClinVar aggregate classification (germline): Uncertain significance. Review status: criteria provided, multiple submitters, no conflicts (2 of 4 stars). 3 submissions from 3 submitters: Uncertain significance (3). Last evaluated 2025-12-21.

Conditions:
Colorectal cancer. Also called: Colorectal cancer, somatic; Malignant Colorectal Neoplasm. Identifiers: MedGen C0346629, MONDO:0005575, OMIM 114500.
Hereditary cancer-predisposing syndrome. Also called: Hereditary neoplastic syndrome; Tumor predisposition; Neoplastic Syndromes, Hereditary; Hereditary Cancer Syndrome. Identifiers: Orphanet 140162, MedGen C0027672, MeSH D009386, MONDO:0015356.
Oligodontia-cancer predisposition syndrome. Also called: TOOTH AGENESIS-COLORECTAL CANCER SYNDROME. Identifiers: Orphanet 300576, MedGen C1837750, MONDO:0012075, OMIM 608615. Disease mechanism: loss of function.

Allele frequency attached by ClinVar (database versions not stated): gnomAD exomes below 0.00001 and 0.00001; gnomAD 0.00001.
gnomAD v4.1: 6 of 1,611,742 alleles (0.00037%); highest among the groups gnomAD compares: Non-Finnish European, 0.00051%; no homozygotes.

Submissions (3):

Labcorp Genetics (formerly Invitae), Labcorp
Classification: Uncertain significance for Oligodontia-cancer predisposition syndrome. Last evaluated: 2025-12-21. Review status: criteria provided, single submitter. Criteria: Invitae Variant Classification Sherloc (09022015). Collection method: clinical testing. Allele origin: germline.
Comment: This sequence change replaces leucine, which is neutral and non-polar, with glutamine, which is neutral and polar, at codon 590 of the AXIN2 protein (p.Leu590Gln). This variant is present in population databases (no rsID available, gnomAD 0.002%). This variant has not been reported in the literature in individuals affected with AXIN2-related conditions. ClinVar contains an entry for this variant (Variation ID: 955235). Invitae Evidence Modeling of protein sequence and biophysical properties (such as structural, functional, and spatial information, amino acid conservation, physicochemical variation, residue mobility, and thermodynamic stability) indicates that this missense variant is not expected to disrupt AXIN2 protein function with a negative predictive value of 80%. In summary, the available evidence is currently insufficient to determine the role of this variant in disease. Therefore, it has been classified as a Variant of Uncertain Significance.

Ambry Genetics
Classification: Uncertain significance for Hereditary cancer-predisposing syndrome. Last evaluated: 2025-12-05. Review status: criteria provided, single submitter. Criteria: Ambry Variant Classification Scheme 2023. Collection method: clinical testing. Allele origin: germline.
Comment: The p.L590Q variant (also known as c.1769T>A), located in coding exon 6 of the AXIN2 gene, results from a T to A substitution at nucleotide position 1769. The leucine at codon 590 is replaced by glutamine, an amino acid with dissimilar properties. This amino acid position is not well conserved in available vertebrate species. In addition, this alteration is predicted to be tolerated by in silico analysis. Since supporting evidence is limited at this time, the clinical significance of this alteration remains unclear.

Baylor Genetics
Classification: Uncertain significance for Colorectal cancer. Last evaluated: 2024-03-27. Review status: criteria provided, single submitter. Criteria: ACMG Guidelines, 2015. Collection method: clinical testing. Allele origin: unknown.

NM_004655.4(AXIN2):c.1769T>A (p.Leu590Gln)

Gene: AXIN2 (axin 2; minus strand). Cytogenetic location: 17q24.1.
Variant type: single nucleotide variant.
Coding change: c.1769T>A on transcript NM_004655.4 (MANE Select); coding-DNA position 1769, T replaced by A.
Protein change: p.Leu590Gln; replaces leucine 590 with glutamine.
Molecular consequence: missense variant. On other transcripts: intron variant (1).
Genome position (GRCh38, 1-based): chr17:65,537,007, A>T on the plus strand (T>A on the coding strand, the complement: AXIN2 is on the minus strand). VCF-style: chr17-65537007-A-T. GRCh37 (hg19) VCF-style: chr17-63533125-A-T.
Other names: c.1712+317T>A (NM_001363813.1); short protein forms L590Q.
Identifiers: ClinVar variation 955235 (VCV000955235.14), dbSNP rs1316456738, ClinGen allele CA400676654.